The following is an entry in ClinVar:

NM_001029883.3(PCARE):c.2756_2768del (p.Lys919fs)

Gene: PCARE (photoreceptor cilium actin regulator; minus strand). Cytogenetic location: 2p23.2.
Variant type: Deletion.
Coding change: c.2756_2768del on transcript NM_001029883.3 (MANE Select); coding-DNA positions 2756 to 2768, 13 bases deleted (AGCCAGCCCTGGA).
Protein change: p.Lys919fs; shifts the reading frame from lysine 919.
Molecular consequence: frameshift variant.
Genome position (GRCh38, 1-based): chr2:29,071,494-29,071,506, TCCAGGGCTGGCT deleted on the plus strand (AGCCAGCCCTGGA on the coding strand, the reverse complement: PCARE is on the minus strand); deleting any 13 consecutive bases within chr2:29,071,494-29,071,509 gives the same sequence; the c. name uses the placement nearest the transcript's 3' end. VCF-style (leftmost placement, unchanged base first): chr2-29071493-GTCCAGGGCTGGCT-G. GRCh37 (hg19) VCF-style: chr2-29294359-GTCCAGGGCTGGCT-G.
Other names: PCARE, 13-BP DEL, NT2756; short protein forms K919fs.
Identifiers: ClinVar variation 105 (VCV000000105.54), dbSNP rs794728002, ClinGen allele CA251390.

ClinVar aggregate classification (germline): Pathogenic. Review status: criteria provided, multiple submitters, no conflicts (2 of 4 stars). 8 submissions from 8 submitters: Pathogenic (5). 3 of the submissions do not count toward it. Last evaluated 2022-08-17.

Conditions:
PCARE-related disorder. Also called: PCARE-related condition.
Retinal dystrophy. Also called: Inherited retinal dystrophy. Identifiers: Orphanet 71862, MedGen C0854723, MeSH D058499, MONDO:0019118, HP:0000556.
Retinitis pigmentosa (RP). Identifiers: Orphanet 791, MedGen C0035334, MeSH D012174, MONDO:0019200, OMIM 268000. Inheritance: Autosomal dominant, autosomal recessive and X linked inheritance.
Autosomal recessive retinitis pigmentosa. Identifiers: MedGen C0339526.
Retinitis pigmentosa 54 (RP54). Identifiers: Orphanet 791, MedGen C3150691, MONDO:0013263, OMIM 613428.

Submissions (8):

Labcorp Genetics (formerly Invitae), Labcorp
Classification: Pathogenic. Last evaluated: 2022-08-17. Review status: criteria provided, single submitter. Criteria: Invitae Variant Classification Sherloc (09022015). Collection method: clinical testing. Allele origin: germline.
Comment: ClinVar contains an entry for this variant (Variation ID: 105). This sequence change creates a premature translational stop signal (p.Lys919Thrfs*2) in the PCARE gene. It is expected to result in an absent or disrupted protein product. Loss-of-function variants in PCARE are known to be pathogenic (PMID: 20398886, 24339724, 26496393). This variant is not present in population databases (gnomAD no frequency). This premature translational stop signal has been observed in individual(s) with PCARE-related conditions (PMID: 20398884, 28763557). For these reasons, this variant has been classified as Pathogenic.

Blueprint Genetics
Classification: Pathogenic for PCARE-related disorders. Last evaluated: 2021-06-29. Review status: criteria provided, single submitter. Criteria: ACMG Guidelines, 2015. Collection method: clinical testing. Allele origin: germline. Affected: yes. Observed: 3 variant alleles.

Institute of Medical Genetics and Applied Genomics, University Hospital Tübingen
Classification: Pathogenic. Last evaluated: 2021-06-17. Review status: criteria provided, single submitter. Criteria: ACMG Guidelines, 2015. Collection method: clinical testing. Allele origin: germline. Inheritance: Autosomal recessive inheritance. Affected: yes.

Institute of Human Genetics, Univ. Regensburg, Univ. Regensburg
Classification: Pathogenic for Retinal dystrophy. Last evaluated: 2021-01-01. Review status: criteria provided, single submitter. Criteria: ACMG Guidelines, 2015. Collection method: clinical testing. Allele origin: germline. Affected: yes.

CeGaT Center for Human Genetics Tuebingen
Classification: Pathogenic. Last evaluated: 2018-08-01. Review status: criteria provided, single submitter. Criteria: CeGaT Center For Human Genetics Tuebingen Variant Classification Criteria Version 2. Collection method: clinical testing. Allele origin: germline. Affected: yes. Observed: 2 variant alleles.

Sharon lab, Hadassah-Hebrew University Medical Center
Classification: Pathogenic for Retinitis pigmentosa. Last evaluated: 2019-06-23. Review status: no assertion criteria provided. Collection method: research. Allele origin: inherited. Affected: yes. Not counted in ClinVar's aggregate classification.

Faculty of Health Sciences, Beirut Arab University
Classification: Pathogenic for Autosomal recessive Retinitis Pigmentosa. Last evaluated: 2017-08-01. Review status: no assertion criteria provided. Collection method: literature only. Allele origin: germline. Affected: yes. Observed: 1 variant allele. Not counted in ClinVar's aggregate classification.

OMIM
Classification: Pathogenic for RETINITIS PIGMENTOSA 54. Last evaluated: 2010-05-14. Review status: no assertion criteria provided. Collection method: literature only. Allele origin: germline. Not counted in ClinVar's aggregate classification.

Literature cited by the submitters: PubMed 20398886 (cited by Labcorp Genetics (formerly Invitae), Labcorp); PubMed 24339724 (cited by Labcorp Genetics (formerly Invitae), Labcorp); PubMed 26496393 (cited by Labcorp Genetics (formerly Invitae), Labcorp); PubMed 20398884 (cited by 3 submitters); PubMed 28763557 (cited by 3 submitters); PubMed 32531858 (cited by Institute of Human Genetics, Univ. Regensburg, Univ. Regensburg); PubMed 36460718 (cited by Institute of Human Genetics, Univ. Regensburg, Univ. Regensburg); PubMed 36819107 (cited by Institute of Human Genetics, Univ. Regensburg, Univ. Regensburg).